The following is an entry in ClinVar:

ClinVar aggregate classification (germline): Uncertain significance (1 of 4 stars; one submission).

Allele frequency attached by ClinVar (database versions not stated): gnomAD 0.00001.

Submission:

Ambry Genetics
Classification: Uncertain significance. Last evaluated: 2021-09-26. Review status: criteria provided, single submitter. Criteria: Ambry Variant Classification Scheme 2023. Collection method: clinical testing. Allele origin: germline.
Comment: The p.G24R variant (also known as c.70G>C), located in coding exon 1 of the KCNE5 gene, results from a G to C substitution at nucleotide position 70. The glycine at codon 24 is replaced by arginine, an amino acid with dissimilar properties. This amino acid position is conserved. In addition, this alteration is predicted to be tolerated by in silico analysis. Since supporting evidence is limited at this time, the clinical significance of this alteration remains unclear.

NM_012282.4(KCNE5):c.70G>C (p.Gly24Arg)

Gene: KCNE5 (potassium voltage-gated channel subfamily E regulatory subunit 5; minus strand). Cytogenetic location: Xq23.
Variant type: single nucleotide variant.
Coding change: c.70G>C on transcript NM_012282.4 (MANE Select); coding-DNA position 70, G replaced by C.
Protein change: p.Gly24Arg; replaces glycine 24 with arginine.
Molecular consequence: missense variant.
Genome position (GRCh38, 1-based): chrX:109,624,951, C>G on the plus strand (G>C on the coding strand, the complement: KCNE5 is on the minus strand). VCF-style: chrX-109624951-C-G. GRCh37 (hg19) VCF-style: chrX-108868180-C-G.
Other names: short protein forms G24R.
Identifiers: ClinVar variation 1757176 (VCV001757176.2), dbSNP rs1481849748, ClinGen allele CA414214055.